The following is an entry in ClinVar:

ClinVar aggregate classification (germline): Uncertain significance (1 of 4 stars; one submission).

Submission:

Women's Health and Genetics/Laboratory Corporation of America, LabCorp
Classification: Uncertain significance. Last evaluated: 2025-07-28. Review status: criteria provided, single submitter. Criteria: LabCorp Variant Classification Summary - May 2015. Collection method: clinical testing. Allele origin: germline.
Comment: Variant summary: COL5A2 c.1262C>T (p.Ala421Val) results in a non-conservative amino acid change in the encoded protein sequence. Algorithms developed to predict the effect of missense changes on protein structure and function are either unavailable or do not agree on the potential impact of this missense change. The variant was absent in 251024 control chromosomes. The available data on variant occurrences in the general population are insufficient to allow any conclusion about variant significance. To our knowledge, no occurrence of c.1262C>T in individuals affected with Ehlers-Danlos syndrome, classic type, 2 and no experimental evidence demonstrating its impact on protein function have been reported. No submitters have cited clinical-significance assessments for this variant to ClinVar. Based on the evidence outlined above, the variant was classified as uncertain significance.

NM_000393.5(COL5A2):c.1262C>T (p.Ala421Val)

Gene: COL5A2 (collagen type V alpha 2 chain; minus strand). Cytogenetic location: 2q32.2.
Variant type: single nucleotide variant.
Coding change: c.1262C>T on transcript NM_000393.5 (MANE Select); coding-DNA position 1262, C replaced by T.
Protein change: p.Ala421Val; replaces alanine 421 with valine.
Molecular consequence: missense variant.
Genome position (GRCh38, 1-based): chr2:189,068,266, G>A on the plus strand (C>T on the coding strand, the complement: COL5A2 is on the minus strand). VCF-style: chr2-189068266-G-A. GRCh37 (hg19) VCF-style: chr2-189932992-G-A.
Other names: short protein forms A421V.
Identifiers: ClinVar variation 4526172 (VCV004526172.1).